The following is an entry in ClinVar:

ClinVar aggregate classification (germline): Uncertain significance (1 of 4 stars; one submission).

Conditions:
Familial cold autoinflammatory syndrome 2 (FCAS2). Identifiers: Orphanet 247868, MedGen C2673198, MONDO:0012724, OMIM 611762.

Allele frequency attached by ClinVar (database versions not stated): TOPMed below 0.00001; gnomAD 0.00001; ExAC 0.00002; gnomAD exomes 0.00003.

Submission:

Labcorp Genetics (formerly Invitae), Labcorp
Classification: Uncertain significance for Familial cold autoinflammatory syndrome 2. Last evaluated: 2025-07-07. Review status: criteria provided, single submitter. Criteria: Invitae Variant Classification Sherloc (09022015). Collection method: clinical testing. Allele origin: germline.
Comment: This sequence change creates a premature translational stop signal (p.Ser1023Thrfs*17) in the NLRP12 gene. While this is not anticipated to result in nonsense mediated decay, it is expected to disrupt the last 39 amino acid(s) of the NLRP12 protein. This variant is present in population databases (rs770957692, gnomAD 0.03%). This variant has not been reported in the literature in individuals affected with NLRP12-related conditions. ClinVar contains an entry for this variant (Variation ID: 2197141). In summary, the available evidence is currently insufficient to determine the role of this variant in disease. Therefore, it has been classified as a Variant of Uncertain Significance.

NM_144687.4(NLRP12):c.3068del (p.Ser1023fs)

Gene: NLRP12 (NLR family pyrin domain containing 12; minus strand). Cytogenetic location: 19q13.42.
Variant type: Deletion.
Coding change: c.3068del on transcript NM_144687.4 (MANE Select); coding-DNA position 3068, one base deleted (G; older notation c.3068delG).
Protein change: p.Ser1023fs; shifts the reading frame from serine 1023.
Molecular consequence: frameshift variant.
Genome position (GRCh38, 1-based): chr19:53,795,889, C deleted on the plus strand (G on the coding strand, the reverse complement: NLRP12 is on the minus strand). VCF-style (leftmost placement, unchanged base first): chr19-53795888-GC-G. GRCh37 (hg19) VCF-style: chr19-54299142-GC-G.
Other names: c.3071del, p.Ser1024fs (NM_001277126.2); c.2897del, p.Ser966fs (NM_001277129.1); short protein forms S1023fs, S1024fs, S966fs.
Identifiers: ClinVar variation 2197141 (VCV002197141.4), dbSNP rs770957692, ClinGen allele CA9638787.